The following is an entry in ClinVar:

ClinVar aggregate classification (germline): Benign. Review status: criteria provided, single submitter (1 of 4 stars). 2 submissions from 2 submitters: Benign (1). 1 of the submissions does not count toward it. Last evaluated 2024-08-29.

Conditions:
WDR36-related disorder. Also called: WDR36-related condition.

Allele frequency attached by ClinVar (database versions not stated): gnomAD 0.00016 and 0.00006; TOPMed 0.00005 and 0.00006; 1000 Genomes Project 0.00060; 1000 Genomes Project 30x 0.00047.
gnomAD v4.1: 637 of 1,613,656 alleles (0.039%); highest among the groups gnomAD compares: East Asian, 1.4%; 14 homozygotes.

Submissions (2):

Labcorp Genetics (formerly Invitae), Labcorp
Classification: Benign. Last evaluated: 2024-08-29. Review status: criteria provided, single submitter. Criteria: Invitae Variant Classification Sherloc (09022015). Collection method: clinical testing. Allele origin: germline.

PreventionGenetics, part of Exact Sciences
Classification: Likely benign for WDR36-related condition. Last evaluated: 2020-07-27. Review status: no assertion criteria provided. Collection method: clinical testing. Allele origin: germline. Not counted in ClinVar's aggregate classification.
Comment: This variant is classified as likely benign based on ACMG/AMP sequence variant interpretation guidelines (Richards et al. 2015 PMID: 25741868, with internal and published modifications).

NM_139281.3(WDR36):c.2064A>G (p.Pro688=)

Gene: WDR36 (WD repeat domain 36; plus strand). Cytogenetic location: 5q22.1.
Variant type: single nucleotide variant.
Coding change: c.2064A>G on transcript NM_139281.3 (MANE Select); coding-DNA position 2064, A replaced by G.
Protein change: p.Pro688=; no amino-acid change (proline 688 retained).
Molecular consequence: synonymous variant.
Genome position (GRCh38, 1-based): chr5:111,121,057, A>G. VCF-style: chr5-111121057-A-G. GRCh37 (hg19) VCF-style: chr5-110456755-A-G.
Identifiers: ClinVar variation 2060870 (VCV002060870.6), dbSNP rs201288071, ClinGen allele CA3365965.